The following is an entry in ClinVar:

NM_006269.2(RP1):c.5095G>C (p.Glu1699Gln)

Genes: RP1 (RP1 axonemal microtubule associated; plus strand), LOC126860392 (CDK7 strongly-dependent group 2 enhancer GRCh37_chr8:55541319-55542518; plus strand). Cytogenetic location: 8q12.1.
Variant type: single nucleotide variant.
Coding change: c.5095G>C on transcript NM_006269.2 (MANE Select); coding-DNA position 5095, G replaced by C.
Protein change: p.Glu1699Gln; replaces glutamic acid 1699 with glutamine.
Molecular consequence: missense variant. On other transcripts: intron variant (1).
Genome position (GRCh38, 1-based): chr8:54,628,977, G>C. VCF-style: chr8-54628977-G-C. GRCh37 (hg19) VCF-style: chr8-55541537-G-C.
Other names: c.787+6689G>C (NM_001375654.1); short protein forms E1699Q.
Identifiers: ClinVar variation 4717282 (VCV004717282.1).

ClinVar aggregate classification (germline): Uncertain significance (1 of 4 stars; one submission).

gnomAD v4.1: 3 of 1,614,070 alleles (0.00019%); highest among the groups gnomAD compares: Non-Finnish European, 0.00025%; no homozygotes.

Submission:

Labcorp Genetics (formerly Invitae), Labcorp
Classification: Uncertain significance. Last evaluated: 2025-05-27. Review status: criteria provided, single submitter. Criteria: Invitae Variant Classification Sherloc (09022015). Collection method: clinical testing. Allele origin: germline.
Comment: This sequence change replaces glutamic acid, which is acidic and polar, with glutamine, which is neutral and polar, at codon 1699 of the RP1 protein (p.Glu1699Gln). This variant is not present in population databases (gnomAD no frequency). This variant has not been reported in the literature in individuals affected with RP1-related conditions. An algorithm developed to predict the effect of missense changes on protein structure and function outputs the following: PolyPhen-2: "Benign". The glutamine amino acid residue is found in multiple mammalian species, which suggests that this missense change does not adversely affect protein function. In summary, the available evidence is currently insufficient to determine the role of this variant in disease. Therefore, it has been classified as a Variant of Uncertain Significance.